The following is an entry in ClinVar:

ClinVar aggregate classification (germline): Conflicting classifications of pathogenicity. Review status: criteria provided, conflicting classifications (1 of 4 stars). 2 submissions from 2 submitters: Likely pathogenic (1); Uncertain significance (1). Last evaluated 2024-09-20.

Conditions:
Retinal dystrophy. Also called: Inherited retinal dystrophy. Identifiers: Orphanet 71862, MedGen C0854723, MeSH D058499, MONDO:0019118, HP:0000556.

gnomAD v4.1: 6 of 1,613,874 alleles (0.00037%); highest among the groups gnomAD compares: Non-Finnish European, 0.00042%; no homozygotes.

Submissions (2):

GeneDx
Classification: Uncertain significance. Last evaluated: 2024-09-20. Review status: criteria provided, single submitter. Criteria: GeneDx Variant Classification Process June 2021. Collection method: clinical testing. Allele origin: germline. Affected: yes.
Comment: Not observed at significant frequency in large population cohorts (gnomAD); In silico analysis, which includes protein predictors and evolutionary conservation, supports a deleterious effect; This variant is associated with the following publications: (PMID: 28644393)

Institute of Human Genetics, Univ. Regensburg, Univ. Regensburg
Classification: Likely pathogenic for Retinal dystrophy. Last evaluated: 2015-01-01. Review status: criteria provided, single submitter. Criteria: ACMG Guidelines, 2015. Collection method: clinical testing. Allele origin: germline. Affected: yes.

Literature cited by the submitters: PubMed 28644393 (cited by Institute of Human Genetics, Univ. Regensburg, Univ. Regensburg).

NM_016247.4(IMPG2):c.3125A>G (p.Tyr1042Cys)

Gene: IMPG2 (interphotoreceptor matrix proteoglycan 2; minus strand). Cytogenetic location: 3q12.3.
Variant type: single nucleotide variant.
Coding change: c.3125A>G on transcript NM_016247.4 (MANE Select); coding-DNA position 3125, A replaced by G.
Protein change: p.Tyr1042Cys; replaces tyrosine 1042 with cysteine.
Molecular consequence: missense variant.
Genome position (GRCh38, 1-based): chr3:101,232,889, T>C on the plus strand (A>G on the coding strand, the complement: IMPG2 is on the minus strand). VCF-style: chr3-101232889-T-C. GRCh37 (hg19) VCF-style: chr3-100951733-T-C.
Other names: short protein forms Y1042C.
Identifiers: ClinVar variation 1303710 (VCV001303710.4), dbSNP rs990633116, ClinGen allele CA353850173.